The following is an entry in ClinVar:

NM_032444.4(SLX4):c.1093del (p.Gln365fs)

Gene: SLX4 (SLX4 structure-specific endonuclease subunit; minus strand). Cytogenetic location: 16p13.3.
Variant type: Deletion.
Coding change: c.1093del on transcript NM_032444.4 (MANE Select); coding-DNA position 1093, one base deleted (C; older notation c.1093delC).
Protein change: p.Gln365fs; shifts the reading frame from glutamine 365.
Molecular consequence: frameshift variant.
Genome position (GRCh38, 1-based): chr16:3,601,049, G deleted on the plus strand (C on the coding strand, the reverse complement: SLX4 is on the minus strand); the first of 5 consecutive G bases (chr16:3,601,049-3,601,053); deleting any one gives the same sequence. VCF-style (leftmost placement, unchanged base first): chr16-3601048-TG-T. GRCh37 (hg19) VCF-style: chr16-3651049-TG-T.
Other names: short protein forms Q365fs.
Identifiers: ClinVar variation 31022 (VCV000031022.10), dbSNP rs1218169126, ClinGen allele CA720549681.

ClinVar aggregate classification (germline): Pathogenic. Review status: criteria provided, multiple submitters, no conflicts (2 of 4 stars). 4 submissions from 4 submitters: Pathogenic (2). 2 of the submissions do not count toward it. Last evaluated 2026-03-01.

Conditions:
Fanconi anemia complementation group P. Also called: SLX4-Related Fanconi Anemia. Identifiers: Orphanet 84, MedGen C3469542, MONDO:0013499, OMIM 613951.
Fanconi anemia (FA). Also called: Fanconi's anemia. Identifiers: Orphanet 84, MedGen C0015625, MeSH D005199, MONDO:0019391.

Submissions (4):

CeGaT Center for Human Genetics Tuebingen
Classification: Pathogenic. Last evaluated: 2026-03-01. Review status: criteria provided, single submitter. Criteria: CeGaT Center For Human Genetics Tuebingen Variant Classification Criteria Version 2. Collection method: clinical testing. Allele origin: germline. Affected: yes. Observed: 1 variant allele.
Comment: SLX4: PVS1, PM2

Labcorp Genetics (formerly Invitae), Labcorp
Classification: Pathogenic for Fanconi anemia. Last evaluated: 2023-06-15. Review status: criteria provided, single submitter. Criteria: Invitae Variant Classification Sherloc (09022015). Collection method: clinical testing. Allele origin: germline.
Comment: For these reasons, this variant has been classified as Pathogenic. ClinVar contains an entry for this variant (Variation ID: 31022). This premature translational stop signal has been observed in individual(s) with clinical features of Fanconi anemia (PMID: 21240277). This variant is not present in population databases (gnomAD no frequency). This sequence change creates a premature translational stop signal (p.Gln365Serfs*32) in the SLX4 gene. It is expected to result in an absent or disrupted protein product. Loss-of-function variants in SLX4 are known to be pathogenic (PMID: 21240277).

Leiden Open Variation Database
Classification: Pathogenic for Fanconi anemia complementation group P. Last evaluated: 2011-02-22. Review status: no assertion criteria provided. Collection method: curation. Allele origin: germline. Affected: yes. Not counted in ClinVar's aggregate classification.
Comment: Curator: Arleen D. Auerbach. Submitter to LOVD: Arleen D. Auerbach.

OMIM
Classification: Pathogenic for FANCONI ANEMIA, COMPLEMENTATION GROUP P. Last evaluated: 2011-02-01. Review status: no assertion criteria provided. Collection method: literature only. Allele origin: germline. Not counted in ClinVar's aggregate classification.

Literature cited by the submitters: PubMed 21240277 (cited by 3 submitters).